The following is an entry in ClinVar:

ClinVar aggregate classification (germline): Uncertain significance (1 of 4 stars; one submission).

Submission:

Labcorp Genetics (formerly Invitae), Labcorp
Classification: Uncertain significance. Last evaluated: 2025-05-06. Review status: criteria provided, single submitter. Criteria: Invitae Variant Classification Sherloc (09022015). Collection method: clinical testing. Allele origin: germline.
Comment: This sequence change falls in intron 24 of the FLNB gene. It does not directly change the encoded amino acid sequence of the FLNB protein. It affects a nucleotide within the consensus splice site. This variant is present in population databases (no rsID available, gnomAD 0.0009%). This variant has not been reported in the literature in individuals affected with FLNB-related conditions. ClinVar contains an entry for this variant (Variation ID: 3676875). Variants that disrupt the consensus splice site are a relatively common cause of aberrant splicing (PMID: 17576681, 9536098). Algorithms developed to predict the effect of sequence changes on RNA splicing suggest that this variant is not likely to affect RNA splicing. In summary, the available evidence is currently insufficient to determine the role of this variant in disease. Therefore, it has been classified as a Variant of Uncertain Significance.

Literature cited by the submitters: PubMed 17576681; PubMed 9536098.

NM_001457.4(FLNB):c.4222+3G>A

Gene: FLNB (filamin B; plus strand). Cytogenetic location: 3p14.3.
Variant type: single nucleotide variant.
Coding change: c.4222+3G>A on transcript NM_001457.4 (MANE Select); 3 bases into the intron after coding-DNA position 4222, G replaced by A.
Molecular consequence: intron variant.
Genome position (GRCh38, 1-based): chr3:58,126,765, G>A. VCF-style: chr3-58126765-G-A. GRCh37 (hg19) VCF-style: chr3-58112492-G-A.
Other names: c.4222+3G>A (NM_001164317.2, NM_001164318.2, NM_001164319.2).
Identifiers: ClinVar variation 3676875 (VCV003676875.2).